The following is an entry in ClinVar:

ClinVar aggregate classification (germline): Conflicting classifications of pathogenicity. Review status: criteria provided, conflicting classifications (1 of 4 stars). 2 submissions from 2 submitters: Likely pathogenic (1); Uncertain significance (1). Last evaluated 2023-12-27.

Conditions:
Hypertrophic cardiomyopathy. Also called: HYPERTROPHIC MYOCARDIOPATHY. Identifiers: Orphanet 217569, MedGen C0007194, MeSH D002312, MONDO:0005045, HP:0001639.

Submissions (2):

Labcorp Genetics (formerly Invitae), Labcorp
Classification: Uncertain significance for Hypertrophic cardiomyopathy. Last evaluated: 2023-12-27. Review status: criteria provided, single submitter. Criteria: Invitae Variant Classification Sherloc (09022015). Collection method: clinical testing. Allele origin: germline.
Comment: This sequence change affects an acceptor splice site in intron 4 of the MYH7 gene. It is expected to disrupt RNA splicing. Variants that disrupt the donor or acceptor splice site typically lead to a loss of protein function (PMID: 16199547), however the current clinical and genetic evidence is not sufficient to establish whether loss-of-function variants in MYH7 cause disease. This variant is not present in population databases (gnomAD no frequency). This variant has not been reported in the literature in individuals affected with MYH7-related conditions. ClinVar contains an entry for this variant (Variation ID: 374734). Algorithms developed to predict the effect of sequence changes on RNA splicing suggest that this variant may disrupt the consensus splice site. In summary, the available evidence is currently insufficient to determine the role of this variant in disease. Therefore, it has been classified as a Variant of Uncertain Significance.

CeGaT Center for Human Genetics Tuebingen
Classification: Likely pathogenic. Last evaluated: 2016-07-01. Review status: criteria provided, single submitter. Criteria: CeGaT Center For Human Genetics Tuebingen Variant Classification Criteria Version 2. Collection method: clinical testing. Allele origin: germline. Affected: yes. Observed: 1 variant allele.

Literature cited by the submitters: PubMed 16199547 (cited by Labcorp Genetics (formerly Invitae), Labcorp).

NM_000257.4(MYH7):c.346-1G>A

Gene: MYH7 (myosin heavy chain 7; minus strand). Cytogenetic location: 14q11.2.
Variant type: single nucleotide variant.
Coding change: c.346-1G>A on transcript NM_000257.4 (MANE Select); the canonical splice acceptor site of the intron before coding-DNA position 346, G replaced by A.
Molecular consequence: splice acceptor variant.
Genome position (GRCh38, 1-based): chr14:23,432,796, C>T on the plus strand (G>A on the coding strand, the complement: MYH7 is on the minus strand). VCF-style: chr14-23432796-C-T. GRCh37 (hg19) VCF-style: chr14-23902005-C-T.
Other names: c.346-1G>A (NM_001407004.1).
Identifiers: ClinVar variation 374734 (VCV000374734.46), dbSNP rs1057519221, ClinGen allele CA16043870.